The following is an entry in ClinVar:

NM_001103.4(ACTN2):c.2513T>G (p.Leu838Arg)

Gene: ACTN2 (actinin alpha 2; plus strand). Cytogenetic location: 1q43.
Variant type: single nucleotide variant.
Coding change: c.2513T>G on transcript NM_001103.4 (MANE Select); coding-DNA position 2513, T replaced by G.
Protein change: p.Leu838Arg; replaces leucine 838 with arginine.
Molecular consequence: missense variant.
Genome position (GRCh38, 1-based): chr1:236,761,160, T>G. VCF-style: chr1-236761160-T-G. GRCh37 (hg19) VCF-style: chr1-236924460-T-G.
Other names: c.2513T>G, p.Leu838Arg (NM_001278343.2); c.1889T>G, p.Leu630Arg (NM_001278344.2); c.1763T>G, p.Leu588Arg (NM_001412150.1); short protein forms L838R, L630R, L588R.
Identifiers: ClinVar variation 2112042 (VCV002112042.4), dbSNP rs2102951909, ClinGen allele CA345391750.

ClinVar aggregate classification (germline): Uncertain significance (1 of 4 stars; one submission).

Conditions:
Dilated cardiomyopathy 1AA (CMD1AA). Also called: CARDIOMYOPATHY, FAMILIAL HYPERTROPHIC, 23, WITH OR WITHOUT LEFT VENTRICULAR NONCOMPACTION; CARDIOMYOPATHY, DILATED, 1AA, WITH OR WITHOUT LEFT VENTRICULAR NONCOMPACTION; Cardiomyopathy, dilated, 1AA, with or without LVNC. Identifiers: Orphanet 154, MedGen C2677338, MONDO:0012808, OMIM 612158.
Primary familial hypertrophic cardiomyopathy (HCM). Identifiers: Orphanet 99739, MedGen C0949658, MeSH D024741, MONDO:0024573. Inheritance: Various modes of inheritance.

Submission:

Labcorp Genetics (formerly Invitae), Labcorp
Classification: Uncertain significance for Primary familial hypertrophic cardiomyopathy; Dilated cardiomyopathy 1AA. Last evaluated: 2022-03-14. Review status: criteria provided, single submitter. Criteria: Invitae Variant Classification Sherloc (09022015). Collection method: clinical testing. Allele origin: germline.
Comment: This variant has not been reported in the literature in individuals affected with ACTN2-related conditions. This variant is not present in population databases (gnomAD no frequency). This sequence change replaces leucine, which is neutral and non-polar, with arginine, which is basic and polar, at codon 838 of the ACTN2 protein (p.Leu838Arg). Algorithms developed to predict the effect of missense changes on protein structure and function (SIFT, PolyPhen-2, Align-GVGD) all suggest that this variant is likely to be disruptive. In summary, the available evidence is currently insufficient to determine the role of this variant in disease. Therefore, it has been classified as a Variant of Uncertain Significance.